The following is an entry in ClinVar:

NM_012188.5(FOXI1):c.1018C>G (p.Pro340Ala)

Gene: FOXI1 (forkhead box I1; plus strand). Cytogenetic location: 5q35.1.
Variant type: single nucleotide variant.
Coding change: c.1018C>G on transcript NM_012188.5 (MANE Select); coding-DNA position 1018, C replaced by G.
Protein change: p.Pro340Ala; replaces proline 340 with alanine.
Molecular consequence: missense variant.
Genome position (GRCh38, 1-based): chr5:170,108,492, C>G. VCF-style: chr5-170108492-C-G. GRCh37 (hg19) VCF-style: chr5-169535496-C-G.
Other names: p.Pro340Ala; c.733C>G, p.Pro245Ala (NM_144769.4); short protein forms P340A, P245A.
Identifiers: ClinVar variation 499783 (VCV000499783.23), dbSNP rs141924917, ClinGen allele CA3555156.
Genomic context (GRCh38, chr5:170,108,492, plus strand): 5'-AACTCCTTCTCCCCGCTCACCAACCTCAGCAACCACAGCGGTGGGGGTGACTGGGCGAAC[C>G]CCATGCCCACCAACATGCTCAGCTATGGAGGATCTGTGCTCAGCCAATTCAGCCCTCACT-3'
Protein context (NP_036320.2, residues 330-350): NHSGGGDWAN[Pro340Ala]MPTNMLSYGG

ClinVar aggregate classification (germline): Conflicting classifications of pathogenicity. Review status: criteria provided, conflicting classifications (1 of 4 stars). 8 submissions from 8 submitters: Uncertain significance (2); Likely benign (5). 1 of the submissions does not count toward it. Last evaluated 2025-11-17.

Conditions:
FOXI1-related disorder. Also called: FOXI1-related condition.
Autosomal recessive nonsyndromic hearing loss 4 (DFNB4). Also called: Enlarged vestibular aqueduct, digenic; FOXI1-Related Pendred Syndrome; KCNJ10-Related Pendred Syndrome; Nonsyndromic enlarged vestibular aqueduct (NSEVA); DEAFNESS, AUTOSOMAL RECESSIVE 4, WITH ENLARGED VESTIBULAR AQUEDUCT, DIGENIC; Deafness, autosomal recessive 4, with enlarged vestibular aqueduct. Identifiers: Orphanet 90636, MedGen C3538946, MONDO:0010933, OMIM 600791.

Allele frequency attached by ClinVar (database versions not stated): 1000 Genomes Project 30x 0.00031; 1000 Genomes Project 0.00040; ESP Exome Variant Server 0.00054; gnomAD exomes 0.00077 and 0.00101; gnomAD 0.00081 and 0.00082; TOPMed 0.00083; ExAC 0.00098.
gnomAD v4.1: 1,271 of 1,602,508 alleles (0.079%); highest among the groups gnomAD compares: Middle Eastern, 0.53%; 4 homozygotes.

Submissions (8):

Labcorp Genetics (formerly Invitae), Labcorp
Classification: Likely benign. Last evaluated: 2025-11-17. Review status: criteria provided, single submitter. Criteria: Invitae Variant Classification Sherloc (09022015). Collection method: clinical testing. Allele origin: germline.

Mayo Clinic Laboratories, Mayo Clinic
Classification: Likely benign. Last evaluated: 2025-02-11. Review status: criteria provided, single submitter. Criteria: ACMG Guidelines, 2015. Collection method: clinical testing. Allele origin: germline. Observed: 2 variant alleles.
Comment: BS1

Blueprint Genetics
Classification: Likely benign. Last evaluated: 2024-11-21. Review status: criteria provided, single submitter. Criteria: ACMG Guidelines, 2015. Collection method: clinical testing. Allele origin: germline.

Revvity Omics, Revvity
Classification: Uncertain significance for Autosomal recessive nonsyndromic hearing loss 4. Last evaluated: 2021-06-21. Review status: criteria provided, single submitter. Criteria: ACMG Guidelines, 2015. Collection method: clinical testing. Allele origin: germline.

GeneDx
Classification: Likely benign. Last evaluated: 2020-10-29. Review status: criteria provided, single submitter. Criteria: GeneDx Variant Classification Process June 2021. Collection method: clinical testing. Allele origin: germline. Affected: yes.

Illumina Laboratory Services, Illumina
Classification: Uncertain significance for Autosomal recessive nonsyndromic hearing loss 4. Last evaluated: 2018-01-12. Review status: criteria provided, single submitter. Criteria: ICSL Variant Classification Criteria 13 December 2019. Collection method: clinical testing. Allele origin: germline.

Eurofins Ntd Llc (ga)
Classification: Likely benign. Last evaluated: 2017-02-28. Review status: criteria provided, single submitter. Criteria: EGL Classification Definitions 2015. Collection method: clinical testing. Allele origin: germline. Observed: 2 variant alleles, 2 heterozygotes.

PreventionGenetics, part of Exact Sciences
Classification: Likely benign for FOXI1-related condition. Last evaluated: 2019-10-01. Review status: no assertion criteria provided. Collection method: clinical testing. Allele origin: germline. Not counted in ClinVar's aggregate classification.
Comment: This variant is classified as likely benign based on ACMG/AMP sequence variant interpretation guidelines (Richards et al. 2015 PMID: 25741868, with internal and published modifications).